The following is an entry in ClinVar:

ClinVar aggregate classification (germline): Benign. Review status: criteria provided, multiple submitters, no conflicts (2 of 4 stars). 4 submissions from 4 submitters: Benign (4). Last evaluated 2026-02-03.

Conditions:
Intellectual developmental disorder, autosomal dominant 43. Also called: Intellectual disability, autosomal dominant 43. Identifiers: MedGen C4707429, MONDO:0014858, OMIM 616977.

Allele frequency attached by ClinVar (database versions not stated): 1000 Genomes Project 30x 0.77623; ExAC 0.68911; ESP Exome Variant Server 0.70188; gnomAD exomes 0.65535; gnomAD 0.70641 and 0.70723; TOPMed 0.71368; 1000 Genomes Project 0.76997.
gnomAD v4.1: 1,066,807 of 1,613,816 alleles (66%); highest among the groups gnomAD compares: African/African-American, 84%; 355,760 homozygotes.

Submissions (4):

Labcorp Genetics (formerly Invitae), Labcorp
Classification: Benign. Last evaluated: 2026-02-03. Review status: criteria provided, single submitter. Criteria: Invitae Variant Classification Sherloc (09022015). Collection method: clinical testing. Allele origin: germline.

Genome-Nilou Lab
Classification: Benign for Intellectual developmental disorder, autosomal dominant 43. Last evaluated: 2021-08-10. Review status: criteria provided, single submitter. Criteria: ACMG Guidelines, 2015. Collection method: clinical testing. Allele origin: germline. Affected: no.

GeneDx
Classification: Benign. Last evaluated: 2019-07-17. Review status: criteria provided, single submitter. Criteria: GeneDx Variant Classification Process June 2021. Collection method: clinical testing. Allele origin: germline. Affected: yes.

Laboratory for Molecular Medicine, Mass General Brigham Personalized Medicine
Classification: Benign. Last evaluated: 2016-03-29. Review status: criteria provided, single submitter. Criteria: LMM Criteria. Collection method: clinical testing. Allele origin: germline.
Comment: Variant identified in a genome or exome case(s) and assessed due to predicted null impact of the variant or pathogenic assertions in the literature or databases. Disclaimer: This variant has not undergone full assessment. The following are preliminary notes: Frequency

NM_006734.4(HIVEP2):c.6885A>G (p.Pro2295=)

Gene: HIVEP2 (HIVEP zinc finger 2; minus strand). Cytogenetic location: 6q24.2.
Variant type: single nucleotide variant.
Coding change: c.6885A>G on transcript NM_006734.4 (MANE Select); coding-DNA position 6885, A replaced by G.
Protein change: p.Pro2295=; no amino-acid change (proline 2295 retained).
Molecular consequence: synonymous variant.
Genome position (GRCh38, 1-based): chr6:142,753,563, T>C on the plus strand (A>G on the coding strand, the complement: HIVEP2 is on the minus strand). VCF-style: chr6-142753563-T-C. GRCh37 (hg19) VCF-style: chr6-143074700-T-C.
Identifiers: ClinVar variation 402939 (VCV000402939.16), dbSNP rs169098, ClinGen allele CA4027614.